The following is an entry in ClinVar:

NM_017570.5(OPLAH):c.1909C>T (p.Arg637Trp)

Gene: OPLAH (5-oxoprolinase, ATP-hydrolysing; minus strand). Cytogenetic location: 8q24.3.
Variant type: single nucleotide variant.
Coding change: c.1909C>T on transcript NM_017570.5 (MANE Select); coding-DNA position 1909, C replaced by T.
Protein change: p.Arg637Trp; replaces arginine 637 with tryptophan.
Molecular consequence: missense variant.
Genome position (GRCh38, 1-based): chr8:144,056,459, G>A on the plus strand (C>T on the coding strand, the complement: OPLAH is on the minus strand). VCF-style: chr8-144056459-G-A. GRCh37 (hg19) VCF-style: chr8-145111362-G-A.
Other names: short protein forms R637W.
Identifiers: ClinVar variation 853743 (VCV000853743.7), dbSNP rs782125024, ClinGen allele CA4931665.

ClinVar aggregate classification (germline): Uncertain significance. Review status: criteria provided, multiple submitters, no conflicts (2 of 4 stars). 2 submissions from 2 submitters: Uncertain significance (2). Last evaluated 2022-06-10.

Conditions:
5-Oxoprolinase deficiency (OPLAHD). Also called: 5-OXOPROLINURIA DUE TO 5-OXOPROLINASE DEFICIENCY. Identifiers: Orphanet 33572, MedGen C0268525, MONDO:0009825, OMIM 260005, HP:0040142.

Allele frequency attached by ClinVar (database versions not stated): gnomAD exomes 0.00003; ExAC 0.00005; gnomAD 0.00001; TOPMed below 0.00001.
gnomAD v4.1: 11 of 1,610,954 alleles (0.00068%); highest among the groups gnomAD compares: South Asian, 0.0044%; no homozygotes.

Submissions (2):

Labcorp Genetics (formerly Invitae), Labcorp
Classification: Uncertain significance for 5-Oxoprolinase deficiency. Last evaluated: 2022-06-10. Review status: criteria provided, single submitter. Criteria: Invitae Variant Classification Sherloc (09022015). Collection method: clinical testing. Allele origin: germline.
Comment: In summary, the available evidence is currently insufficient to determine the role of this variant in disease. Therefore, it has been classified as a Variant of Uncertain Significance. Algorithms developed to predict the effect of missense changes on protein structure and function are either unavailable or do not agree on the potential impact of this missense change (SIFT: "Not Available"; PolyPhen-2: "Probably Damaging"; Align-GVGD: "Not Available"). ClinVar contains an entry for this variant (Variation ID: 853743). This variant has not been reported in the literature in individuals affected with OPLAH-related conditions. The frequency data for this variant in the population databases is considered unreliable, as metrics indicate poor data quality at this position in the gnomAD database. This sequence change replaces arginine, which is basic and polar, with tryptophan, which is neutral and slightly polar, at codon 637 of the OPLAH protein (p.Arg637Trp).

Fulgent Genetics
Classification: Uncertain significance for 5-Oxoprolinase deficiency. Last evaluated: 2021-12-01. Review status: criteria provided, single submitter. Criteria: ACMG Guidelines, 2015. Collection method: clinical testing. Allele origin: unknown.